The following is an entry in ClinVar:

NM_000079.4(CHRNA1):c.1233G>T (p.Glu411Asp)

Gene: CHRNA1 (cholinergic receptor nicotinic alpha 1 subunit; minus strand). Cytogenetic location: 2q31.1.
Variant type: single nucleotide variant.
Coding change: c.1233G>T on transcript NM_000079.4 (MANE Select); coding-DNA position 1233, G replaced by T.
Protein change: p.Glu411Asp; replaces glutamic acid 411 with aspartic acid.
Molecular consequence: missense variant.
Genome position (GRCh38, 1-based): chr2:174,748,589, C>A on the plus strand (G>T on the coding strand, the complement: CHRNA1 is on the minus strand). VCF-style: chr2-174748589-C-A. GRCh37 (hg19) VCF-style: chr2-175613317-C-A.
Other names: c.1308G>T, p.Glu436Asp (NM_001039523.3); short protein forms E411D, E436D.
Identifiers: ClinVar variation 332440 (VCV000332440.18), dbSNP rs61737716, ClinGen allele CA1974340.

ClinVar aggregate classification (germline): Benign/Likely benign. Review status: criteria provided, multiple submitters, no conflicts (2 of 4 stars). 7 submissions from 6 submitters: Benign (3); Likely benign (4). Last evaluated 2026-01-28.

Conditions:
Congenital myasthenic syndrome (CMS). Also called: Congenital Myasthenic Syndromes. Identifiers: Orphanet 590, MedGen C0751882, MeSH D020294, MONDO:0018940.
Lethal multiple pterygium syndrome (LMPS). Identifiers: Orphanet 33108, MedGen C1854678, MONDO:0009668, OMIM 253290.

Allele frequency attached by ClinVar (database versions not stated): gnomAD exomes 0.00050 and 0.00132; ExAC 0.00161; 1000 Genomes Project 0.00519; ESP Exome Variant Server 0.00538; gnomAD 0.00561; 1000 Genomes Project 30x 0.00578; TOPMed 0.00587.
gnomAD v4.1: 1,583 of 1,612,542 alleles (0.098%); highest among the groups gnomAD compares: African/African-American, 1.8%; 16 homozygotes.

Submissions (7):

Labcorp Genetics (formerly Invitae), Labcorp
Classification: Benign for Lethal multiple pterygium syndrome. Last evaluated: 2026-01-28. Review status: criteria provided, single submitter. Criteria: Invitae Variant Classification Sherloc (09022015). Collection method: clinical testing. Allele origin: germline.

Blueprint Genetics
Classification: Likely benign. Last evaluated: 2024-10-07. Review status: criteria provided, single submitter. Criteria: ACMG Guidelines, 2015. Collection method: clinical testing. Allele origin: germline.

GeneDx
Classification: Likely benign. Last evaluated: 2020-11-05. Review status: criteria provided, single submitter. Criteria: GeneDx Variant Classification Process June 2021. Collection method: clinical testing. Allele origin: germline. Affected: yes.

Illumina Laboratory Services, Illumina
Classification: Benign for Congenital myasthenic syndrome. Last evaluated: 2018-01-13. Review status: criteria provided, single submitter. Criteria: ICSL Variant Classification Criteria 13 December 2019. Collection method: clinical testing. Allele origin: germline.
Comment: This variant was observed in the ICSL laboratory as part of a predisposition screen in an ostensibly healthy population. It had not been previously curated by ICSL or reported in the Human Gene Mutation Database (HGMD: prior to June 1st, 2018), and was therefore a candidate for classification through an automated scoring system. Utilizing variant allele frequency, disease prevalence and penetrance estimates, and inheritance mode, an automated score was calculated to assess if this variant is too frequent to cause the disease. Based on the score and internal cut-off values, a variant classified as benign is not then subjected to further curation. The score for this variant resulted in a classification of benign for this disease.

Illumina Laboratory Services, Illumina
Classification: Benign for Lethal multiple pterygium syndrome. Last evaluated: 2018-01-13. Review status: criteria provided, single submitter. Criteria: ICSL Variant Classification Criteria 13 December 2019. Collection method: clinical testing. Allele origin: germline.
Comment: the same text as in the submission from Illumina Laboratory Services, Illumina above.

Athena Diagnostics
Classification: Likely benign. Last evaluated: 2017-05-11. Review status: criteria provided, single submitter. Criteria: Athena Diagnostics Criteria. Collection method: clinical testing. Allele origin: germline.

Breakthrough Genomics
Classification: Likely benign. Review status: criteria provided, single submitter. Criteria: ACMG Guidelines, 2015. Collection method: not provided. Allele origin: germline. Inheritance: Autosomal recessive inheritance. Affected: yes.

Literature cited by the submitters: PubMed 25450229 (cited by Athena Diagnostics).